The following is an entry in ClinVar:

NM_000038.6(APC):c.3653C>G (p.Thr1218Arg)

Gene: APC (APC regulator of Wnt signaling pathway; plus strand). Cytogenetic location: 5q22.2.
Variant type: single nucleotide variant.
Coding change: c.3653C>G on transcript NM_000038.6 (MANE Select); coding-DNA position 3653, C replaced by G.
Protein change: p.Thr1218Arg; replaces threonine 1218 with arginine.
Molecular consequence: missense variant. On other transcripts: non-coding transcript variant (2).
Genome position (GRCh38, 1-based): chr5:112,839,247, C>G. VCF-style: chr5-112839247-C-G. GRCh37 (hg19) VCF-style: chr5-112174944-C-G.
Other names: c.3530C>G, p.Thr1177Arg (NM_001354900.2); c.3476C>G, p.Thr1159Arg (NM_001354901.2, NM_001407453.1); c.3380C>G, p.Thr1127Arg (NM_001354902.2); c.3350C>G, p.Thr1117Arg (NM_001354903.2, NM_001407458.1, NM_001407459.1 and 1 more transcripts); c.3275C>G, p.Thr1092Arg (NM_001354904.2); c.3173C>G, p.Thr1058Arg (NM_001354905.2); c.2804C>G, p.Thr935Arg (NM_001354906.2, NM_001407470.1); c.3737C>G, p.Thr1246Arg (NM_001407446.1); and 11 more; short protein forms T1127R, T1228R, T935R, T1089R, T1117R, T1159R, T1177R, T1193R.
Identifiers: ClinVar variation 4825040 (VCV004825040.1).
Genomic context (GRCh38, chr5:112,839,247, plus strand): 5'-CAAAGAGTTCATCTGGACAAAGCAGTAAAACCGAACATATGTCTTCAAGCAGTGAGAATA[C>G]GTCCACACCTTCATCTAATGCCAAGAGGCAGAATCAGCTCCATCCAAGTTCTGCACAGAG-3'
Protein context (NP_000029.2, residues 1208-1228): TEHMSSSSEN[Thr1218Arg]STPSSNAKRQ

ClinVar aggregate classification (germline): Uncertain significance (1 of 4 stars; one submission).

Conditions:
Hereditary cancer-predisposing syndrome. Also called: Neoplastic Syndromes, Hereditary; Tumor predisposition; Hereditary Cancer Syndrome; Hereditary neoplastic syndrome. Identifiers: Orphanet 140162, MedGen C0027672, MeSH D009386, MONDO:0015356.

Submission:

Ambry Genetics
Classification: Uncertain significance for Hereditary cancer-predisposing syndrome. Last evaluated: 2026-02-10. Review status: criteria provided, single submitter. Criteria: Ambry Variant Classification Scheme 2023. Collection method: clinical testing. Allele origin: germline.
Comment: The p.T1218R variant (also known as c.3653C>G), located in coding exon 15 of the APC gene, results from a C to G substitution at nucleotide position 3653. The threonine at codon 1218 is replaced by arginine, an amino acid with similar properties. This amino acid position is not well conserved in available vertebrate species. In addition, in silico predictors for this gene do not accurately predict pathogenicity. Missense variants in APC are not a common cause of disease (Spier I et al. Genet Med. 2024 Feb;26(2):100992). Based on the available evidence, the clinical significance of this variant remains unclear.